The following is an entry in ClinVar:

ClinVar aggregate classification (germline): Benign/Likely benign. Review status: criteria provided, multiple submitters, no conflicts (2 of 4 stars). 8 submissions from 8 submitters: Benign (3); Likely benign (4). 1 of the submissions does not count toward it. Last evaluated 2026-03-01.

Conditions:
Muscular dystrophy-dystroglycanopathy (congenital with brain and eye anomalies), type a, 8 (MDDGA8). Also called: WALKER-WARBURG SYNDROME OR MUSCLE-EYE-BRAIN DISEASE, GTDC2-RELATED. Identifiers: Orphanet 899, MedGen C3553813, MONDO:0013904, OMIM 614830.
POMGNT2-related disorder. Also called: POMGNT2-related condition.

Allele frequency attached by ClinVar (database versions not stated): gnomAD exomes 0.00040 and 0.00099; ExAC 0.00130; gnomAD 0.00274; TOPMed 0.00369; 1000 Genomes Project 0.00399; 1000 Genomes Project 30x 0.00437; ESP Exome Variant Server 0.00438.
gnomAD v4.1: 1,112 of 1,614,194 alleles (0.069%); highest among the groups gnomAD compares: African/African-American, 1.1%; 9 homozygotes.

Submissions (8):

CeGaT Center for Human Genetics Tuebingen
Classification: Likely benign. Last evaluated: 2026-03-01. Review status: criteria provided, single submitter. Criteria: CeGaT Center For Human Genetics Tuebingen Variant Classification Criteria Version 2. Collection method: clinical testing. Allele origin: germline. Affected: yes. Observed: 2 variant alleles.
Comment: POMGNT2: BS1

Labcorp Genetics (formerly Invitae), Labcorp
Classification: Benign for Muscular dystrophy-dystroglycanopathy (congenital with brain and eye anomalies), type a, 8. Last evaluated: 2026-02-02. Review status: criteria provided, single submitter. Criteria: Invitae Variant Classification Sherloc (09022015). Collection method: clinical testing. Allele origin: germline.

Blueprint Genetics
Classification: Likely benign. Last evaluated: 2024-10-14. Review status: criteria provided, single submitter. Criteria: ACMG Guidelines, 2015. Collection method: clinical testing. Allele origin: germline.

Athena Diagnostics
Classification: Likely benign. Last evaluated: 2019-10-09. Review status: criteria provided, single submitter. Criteria: Athena Diagnostics Criteria. Collection method: clinical testing. Allele origin: unknown.

GeneDx
Classification: Benign. Last evaluated: 2018-08-31. Review status: criteria provided, single submitter. Criteria: GeneDx Variant Classification Process June 2021. Collection method: clinical testing. Allele origin: germline. Affected: yes.

Genetic Services Laboratory, University of Chicago
Classification: Benign. Last evaluated: 2017-04-21. Review status: criteria provided, single submitter. Criteria: ACMG Guidelines, 2015. Collection method: clinical testing. Allele origin: germline. Affected: no.

Center for Pediatric Genomic Medicine, Children's Mercy Hospital and Clinics
Classification: Likely benign. Last evaluated: 2017-03-10. Review status: criteria provided, single submitter. Criteria: ACMG Guidelines, 2015. Collection method: clinical testing. Allele origin: germline.

PreventionGenetics, part of Exact Sciences
Classification: Benign for POMGNT2-related condition. Last evaluated: 2019-07-19. Review status: no assertion criteria provided. Collection method: clinical testing. Allele origin: germline. Not counted in ClinVar's aggregate classification.
Comment: This variant is classified as benign based on ACMG/AMP sequence variant interpretation guidelines (Richards et al. 2015 PMID: 25741868, with internal and published modifications).

NM_032806.6(POMGNT2):c.364G>A (p.Val122Met)

Gene: POMGNT2 (protein O-linked mannose N-acetylglucosaminyltransferase 2 (beta 1,4-); minus strand). Cytogenetic location: 3p22.1.
Variant type: single nucleotide variant.
Coding change: c.364G>A on transcript NM_032806.6 (MANE Select); coding-DNA position 364, G replaced by A.
Protein change: p.Val122Met; replaces valine 122 with methionine.
Molecular consequence: missense variant.
Genome position (GRCh38, 1-based): chr3:43,081,068, C>T on the plus strand (G>A on the coding strand, the complement: POMGNT2 is on the minus strand). VCF-style: chr3-43081068-C-T. GRCh37 (hg19) VCF-style: chr3-43122560-C-T.
Other names: short protein forms V122M.
Identifiers: ClinVar variation 211942 (VCV000211942.25), dbSNP rs149948290, ClinGen allele CA206998.